The following is an entry in ClinVar:

NM_005360.5(MAF):c.935A>G (p.Gln312Arg)

Gene: MAF (MAF bZIP transcription factor; minus strand). Cytogenetic location: 16q23.2.
Variant type: single nucleotide variant.
Coding change: c.935A>G on transcript NM_005360.5 (MANE Select); coding-DNA position 935, A replaced by G.
Protein change: p.Gln312Arg; replaces glutamine 312 with arginine.
Molecular consequence: missense variant.
Genome position (GRCh38, 1-based): chr16:79,598,968, T>C on the plus strand (A>G on the coding strand, the complement: MAF is on the minus strand). VCF-style: chr16-79598968-T-C. GRCh37 (hg19) VCF-style: chr16-79632865-T-C.
Other names: c.935A>G, p.Gln312Arg (NM_001031804.3); short protein forms Q312R.
Identifiers: ClinVar variation 2093066 (VCV002093066.4), dbSNP rs2507654398, ClinGen allele CA396534913.

ClinVar aggregate classification (germline): Uncertain significance (1 of 4 stars; one submission).

Conditions:
Cataract 21 multiple types. Also called: CATARACT 21, MULTIPLE TYPES, WITH MICROCORNEA; Cataract, congenital, cerulean type, 4; CATARACT 21, MULTIPLE TYPES, WITH OR WITHOUT MICROCORNEA; CATARACT 21, CERULEAN, WITH OR WITHOUT MICROCORNEA. Identifiers: Orphanet 91492, MedGen C1857768, MONDO:0012437, OMIM 610202.
Ayme-Gripp syndrome. Also called: Aymé-Gripp Syndrome. Identifiers: MedGen C1832812, MONDO:0010992, OMIM 601088.

Submission:

Labcorp Genetics (formerly Invitae), Labcorp
Classification: Uncertain significance for Cataract 21 multiple types; Ayme-Gripp syndrome. Last evaluated: 2022-07-19. Review status: criteria provided, single submitter. Criteria: Invitae Variant Classification Sherloc (09022015). Collection method: clinical testing. Allele origin: germline.
Comment: In summary, the available evidence is currently insufficient to determine the role of this variant in disease. Therefore, it has been classified as a Variant of Uncertain Significance. Algorithms developed to predict the effect of missense changes on protein structure and function are either unavailable or do not agree on the potential impact of this missense change (SIFT: "Deleterious"; PolyPhen-2: "Probably Damaging"; Align-GVGD: "Class C0"). This variant has not been reported in the literature in individuals affected with MAF-related conditions. This variant is not present in population databases (gnomAD no frequency). This sequence change replaces glutamine, which is neutral and polar, with arginine, which is basic and polar, at codon 312 of the MAF protein (p.Gln312Arg).